The following is an entry in ClinVar:

NM_000302.4(PLOD1):c.1202+2T>C

Gene: PLOD1 (procollagen-lysine,2-oxoglutarate 5-dioxygenase 1; plus strand). Cytogenetic location: 1p36.22.
Variant type: single nucleotide variant.
Coding change: c.1202+2T>C on transcript NM_000302.4 (MANE Select); the canonical splice donor site of the intron after coding-DNA position 1202, T replaced by C.
Molecular consequence: splice donor variant.
Genome position (GRCh38, 1-based): chr1:11,963,638, T>C. VCF-style: chr1-11963638-T-C. GRCh37 (hg19) VCF-style: chr1-12023695-T-C.
Other names: c.1343+2T>C (NM_001316320.2).
Identifiers: ClinVar variation 2710581 (VCV002710581.4), dbSNP rs2522850390, ClinGen allele CA338440556.
Genomic context (GRCh38, chr1:11,963,638, plus strand): 5'-GATGCTGACGTGGCCCTGACCGAGCCCAACAGCCTGCGGCTGCTGATCCAACAGAACAAG[T>C]GAGGCTGCTCCGTCTGCACCCAGCACTGCTCAGGACTGGCCTGGTCCTGGGGTGGCAGCC-3'

ClinVar aggregate classification (germline): Likely pathogenic. Review status: criteria provided, multiple submitters, no conflicts (2 of 4 stars). 2 submissions from 2 submitters: Likely pathogenic (2). Last evaluated 2024-01-28.

Conditions:
Ehlers-Danlos syndrome, kyphoscoliotic type 1 (EDSKSCL1). Also called: EHLERS-DANLOS SYNDROME, TYPE VIA; Ehlers-Danlos syndrome, hydroxylysine-deficient; PLOD1-Related Kyphoscoliotic Ehlers-Danlos Syndrome; EHLERS-DANLOS SYNDROME, OCULAR-SCOLIOTIC TYPE. Identifiers: Orphanet 1900, MedGen C0268342, MONDO:0016002, OMIM 225400. Disease mechanism: loss of function.
PLOD1-related disorder. Also called: PLOD1-related condition.

Submissions (2):

Labcorp Genetics (formerly Invitae), Labcorp
Classification: Likely pathogenic for Ehlers-Danlos syndrome, kyphoscoliotic type 1. Last evaluated: 2024-01-28. Review status: criteria provided, single submitter. Criteria: Invitae Variant Classification Sherloc (09022015). Collection method: clinical testing. Allele origin: germline.
Comment: This sequence change affects a donor splice site in intron 11 of the PLOD1 gene. It is expected to disrupt RNA splicing. Variants that disrupt the donor or acceptor splice site typically lead to a loss of protein function (PMID: 16199547), and loss-of-function variants in PLOD1 are known to be pathogenic (PMID: 10874315, 21699693). This variant is not present in population databases (gnomAD no frequency). This variant has not been reported in the literature in individuals affected with PLOD1-related conditions. Algorithms developed to predict the effect of sequence changes on RNA splicing suggest that this variant may disrupt the consensus splice site. In summary, the currently available evidence indicates that the variant is pathogenic, but additional data are needed to prove that conclusively. Therefore, this variant has been classified as Likely Pathogenic.

Blueprint Genetics
Classification: Likely pathogenic for PLOD1-related disorders. Last evaluated: 2018-08-23. Review status: criteria provided, single submitter. Criteria: ACMG Guidelines, 2015. Collection method: clinical testing. Allele origin: germline. Affected: yes. Observed: 1 variant allele.

Literature cited by the submitters: PubMed 16199547 (cited by Labcorp Genetics (formerly Invitae), Labcorp); PubMed 10874315 (cited by Labcorp Genetics (formerly Invitae), Labcorp); PubMed 21699693 (cited by Labcorp Genetics (formerly Invitae), Labcorp).